The following is an entry in ClinVar:

NM_001363711.2(DUOX2):c.2071C>T (p.Gln691Ter)

Gene: DUOX2 (dual oxidase 2; minus strand). Cytogenetic location: 15q21.1.
Variant type: single nucleotide variant.
Coding change: c.2071C>T on transcript NM_001363711.2 (MANE Select); coding-DNA position 2071, C replaced by T.
Protein change: p.Gln691Ter; replaces glutamine 691 with a stop codon.
Molecular consequence: nonsense.
Genome position (GRCh38, 1-based): chr15:45,106,202, G>A on the plus strand (C>T on the coding strand, the complement: DUOX2 is on the minus strand). VCF-style: chr15-45106202-G-A. GRCh37 (hg19) VCF-style: chr15-45398400-G-A.
Other names: c.2071C>T, p.Gln691Ter (NM_014080.5); short protein forms Q691*.
Identifiers: ClinVar variation 2020594 (VCV002020594.5), dbSNP rs780864814, ClinGen allele CA392272957.

ClinVar aggregate classification (germline): Pathogenic (1 of 4 stars; one submission).

gnomAD v4.1: 3 of 1,614,200 alleles (0.00019%); highest among the groups gnomAD compares: Non-Finnish European, 0.00025%; no homozygotes.

Submission:

Labcorp Genetics (formerly Invitae), Labcorp
Classification: Pathogenic. Last evaluated: 2024-08-22. Review status: criteria provided, single submitter. Criteria: Invitae Variant Classification Sherloc (09022015). Collection method: clinical testing. Allele origin: germline.
Comment: This sequence change creates a premature translational stop signal (p.Gln691*) in the DUOX2 gene. It is expected to result in an absent or disrupted protein product. Loss-of-function variants in DUOX2 are known to be pathogenic (PMID: 12110737, 18765513, 21565790, 24423310, 24735383). This variant is not present in population databases (gnomAD no frequency). This variant has not been reported in the literature in individuals affected with DUOX2-related conditions. ClinVar contains an entry for this variant (Variation ID: 2020594). For these reasons, this variant has been classified as Pathogenic.

Literature cited by the submitters: PubMed 12110737; PubMed 18765513; PubMed 21565790; PubMed 24423310; PubMed 24735383.